The following is an entry in ClinVar:

ClinVar aggregate classification (germline): Uncertain significance (1 of 4 stars; one submission).

Submission:

GeneDx
Classification: Uncertain significance. Last evaluated: 2025-08-05. Review status: criteria provided, single submitter. Criteria: GeneDx Variant Classification Process June 2021. Collection method: clinical testing. Allele origin: germline.
Comment: Not observed at significant frequency in large population cohorts (gnomAD); In silico analysis suggests that this missense variant does not alter protein structure/function; Has not been previously published as pathogenic or benign to our knowledge

NM_002168.4(IDH2):c.1272T>A (p.Asn424Lys)

Gene: IDH2 (isocitrate dehydrogenase (NADP(+)) 2; minus strand). Cytogenetic location: 15q26.1.
Variant type: single nucleotide variant.
Coding change: c.1272T>A on transcript NM_002168.4 (MANE Select); coding-DNA position 1272, T replaced by A.
Protein change: p.Asn424Lys; replaces asparagine 424 with lysine.
Molecular consequence: missense variant.
Genome position (GRCh38, 1-based): chr15:90,084,353, A>T on the plus strand (T>A on the coding strand, the complement: IDH2 is on the minus strand). VCF-style: chr15-90084353-A-T. GRCh37 (hg19) VCF-style: chr15-90627585-A-T.
Other names: c.1116T>A, p.Asn372Lys (NM_001289910.1); c.882T>A, p.Asn294Lys (NM_001290114.2); short protein forms N294K, N372K, N424K.
Identifiers: ClinVar variation 3361114 (VCV003361114.2).